The following is an entry in ClinVar:

ClinVar aggregate classification (germline): Uncertain significance (1 of 4 stars; one submission).

Submission:

Labcorp Genetics (formerly Invitae), Labcorp
Classification: Uncertain significance. Last evaluated: 2025-09-14. Review status: criteria provided, single submitter. Criteria: Invitae Variant Classification Sherloc (09022015). Collection method: clinical testing. Allele origin: germline.
Comment: This sequence change replaces tyrosine, which is neutral and polar, with histidine, which is basic and polar, at codon 435 of the TUBG1 protein (p.Tyr435His). This variant is not present in population databases (gnomAD no frequency). This variant has not been reported in the literature in individuals affected with TUBG1-related conditions. Invitae Evidence Modeling of protein sequence and biophysical properties (such as structural, functional, and spatial information, amino acid conservation, physicochemical variation, residue mobility, and thermodynamic stability) indicates that this missense variant is expected to disrupt TUBG1 protein function with a positive predictive value of 80%. In summary, the available evidence is currently insufficient to determine the role of this variant in disease. Therefore, it has been classified as a Variant of Uncertain Significance.

NM_001070.5(TUBG1):c.1303T>C (p.Tyr435His)

Gene: TUBG1 (tubulin gamma 1; plus strand). Cytogenetic location: 17q21.2.
Variant type: single nucleotide variant.
Coding change: c.1303T>C on transcript NM_001070.5 (MANE Select); coding-DNA position 1303, T replaced by C.
Protein change: p.Tyr435His; replaces tyrosine 435 with histidine.
Molecular consequence: missense variant.
Genome position (GRCh38, 1-based): chr17:42,614,988, T>C. VCF-style: chr17-42614988-T-C. GRCh37 (hg19) VCF-style: chr17-40767006-T-C.
Other names: short protein forms Y435H.
Identifiers: ClinVar variation 4773060 (VCV004773060.1).